The following is an entry in ClinVar:

NM_004187.5(KDM5C):c.4586C>T (p.Ala1529Val)

Gene: KDM5C (lysine demethylase 5C; minus strand). Cytogenetic location: Xp11.22.
Variant type: single nucleotide variant.
Coding change: c.4586C>T on transcript NM_004187.5 (MANE Select); coding-DNA position 4586, C replaced by T.
Protein change: p.Ala1529Val; replaces alanine 1529 with valine.
Molecular consequence: missense variant. On other transcripts: intron variant (5).
Genome position (GRCh38, 1-based): chrX:53,193,064, G>A on the plus strand (C>T on the coding strand, the complement: KDM5C is on the minus strand). VCF-style: chrX-53193064-G-A. GRCh37 (hg19) VCF-style: chrX-53222246-G-A.
Other names: c.4583C>T, p.Ala1528Val (NM_001282622.3); c.4577C>T, p.Ala1526Val (NM_001353978.3); c.4305+373C>T (NM_001353982.2); c.4314+373C>T (NM_001353979.2); c.4308+373C>T (NM_001353981.2, NM_001353984.2); c.4047-227C>T (NM_001146702.2); short protein forms A1526V, A1529V, A1528V.
Identifiers: ClinVar variation 4986613 (VCV004986613.1).
Genomic context (GRCh38, chrX:53,193,064, plus strand): 5'-AGATGCAGCCGGGGAGTCAGAGTGGAGAAAGGGGCCGAGGGGCCTGAAGTGGTCCCTTCC[G>A]CCGGTTCCAAGCCATTCTGGTTCTCCTGGGTGCTGGGGCTGCCAGTGGTGGGGATGGGTG-3'
Protein context (NP_004178.2, residues 1519-1539): TQENQNGLEP[Ala1529Val]EGTTSGPSAP

ClinVar aggregate classification (germline): Uncertain significance (1 of 4 stars; one submission).

Conditions:
KDM5C-related disorder. Also called: KDM5C-related condition.

gnomAD v4.1: 3 of 1,207,736 alleles (0.00025%); highest among the groups gnomAD compares: East Asian, 0.003%; no homozygotes.

Submission:

PreventionGenetics, part of Exact Sciences
Classification: Uncertain significance for KDM5C-related condition. Last evaluated: 2025-01-26. Review status: criteria provided, single submitter. Criteria: ACMG Guidelines, 2015. Collection method: clinical testing. Allele origin: germline.
Comment: The KDM5C c.4586C>T variant is predicted to result in the amino acid substitution p.Ala1529Val. To our knowledge, this variant has not been reported in the literature. This variant is reported in 0.010% of alleles in individuals of European (Non-Finnish) descent in gnomAD. At this time, the clinical significance of this variant is uncertain due to the absence of conclusive functional and genetic evidence.